The following is an entry in ClinVar:

NM_000069.3(CACNA1S):c.1112C>T (p.Thr371Met)

Gene: CACNA1S (calcium voltage-gated channel subunit alpha1 S; minus strand). Cytogenetic location: 1q32.1.
Variant type: single nucleotide variant.
Coding change: c.1112C>T on transcript NM_000069.3 (MANE Select); coding-DNA position 1112, C replaced by T.
Protein change: p.Thr371Met; replaces threonine 371 with methionine.
Molecular consequence: missense variant.
Genome position (GRCh38, 1-based): chr1:201,085,474, G>A on the plus strand (C>T on the coding strand, the complement: CACNA1S is on the minus strand). VCF-style: chr1-201085474-G-A. GRCh37 (hg19) VCF-style: chr1-201054602-G-A.
Other names: short protein forms T371M.
Identifiers: ClinVar variation 699013 (VCV000699013.13), dbSNP rs150954040, ClinGen allele CA077950.

ClinVar aggregate classification (germline): Conflicting classifications of pathogenicity. Review status: criteria provided, conflicting classifications (1 of 4 stars). 5 submissions from 5 submitters: Uncertain significance (1); Likely benign (4). Last evaluated 2026-02-10.

Conditions:
Malignant hyperthermia, susceptibility to, 5 (MHS5). Also called: CACNA1S-Related Malignant Hyperthermia Susceptibility. Identifiers: Orphanet 423, MedGen C1866077, MONDO:0011163, OMIM 601887.
Hypokalemic periodic paralysis, type 1. Also called: Hypokalemic Periodic Paralysis Type 1 (AD); HypoPP. Identifiers: Orphanet 681, MedGen C3714580, MONDO:0042979, OMIM 170400.

Allele frequency attached by ClinVar (database versions not stated): TOPMed 0.00017; gnomAD exomes 0.00021 and 0.00044; ESP Exome Variant Server 0.00023; ExAC 0.00042; gnomAD 0.00047 and 0.00049; 1000 Genomes Project 30x 0.00078; 1000 Genomes Project 0.00080.
gnomAD v4.1: 378 of 1,613,422 alleles (0.023%); highest among the groups gnomAD compares: Middle Eastern, 0.066%; 2 homozygotes.

Submissions (5):

Women's Health and Genetics/Laboratory Corporation of America, LabCorp
Classification: Likely benign. Last evaluated: 2026-02-10. Review status: criteria provided, single submitter. Criteria: LabCorp Variant Classification Summary - May 2015. Collection method: clinical testing. Allele origin: germline.
Comment: Variant summary: CACNA1S c.1112C>T (p.Thr371Met) results in a non-conservative amino acid change in the encoded protein sequence. Algorithms developed to predict the effect of missense changes on protein structure and function all suggest that this variant is likely to be disruptive. The variant allele was found at a frequency of 0.00023 in 1613422 control chromosomes, predominantly at a frequency of 0.0041 within the Finnish subpopulation in the gnomAD database, including 2 homozygotes. The observed variant frequency within Finnish control individuals in the gnomAD database exceeds the estimated maximal expected allele frequency for disease-causing variants in CACNA1S. To our knowledge, no occurrence of c.1112C>T in individuals affected with CACNA1S-related conditions and no experimental evidence demonstrating its impact on protein function have been reported. The following publication has been ascertained in the context of this evaluation (PMID: 24195946). ClinVar contains an entry for this variant (Variation ID: 699013). Based on the evidence outlined above, the variant was classified as likely benign.

Labcorp Genetics (formerly Invitae), Labcorp
Classification: Likely benign for Hypokalemic periodic paralysis, type 1; Malignant hyperthermia, susceptibility to, 5. Last evaluated: 2025-07-15. Review status: criteria provided, single submitter. Criteria: Invitae Variant Classification Sherloc (09022015). Collection method: clinical testing. Allele origin: germline.

GeneDx
Classification: Uncertain significance. Last evaluated: 2024-11-25. Review status: criteria provided, single submitter. Criteria: GeneDx Variant Classification Process June 2021. Collection method: clinical testing. Allele origin: germline. Affected: yes.
Comment: In silico analysis supports that this missense variant has a deleterious effect on protein structure/function; Has not been previously published as pathogenic or benign to our knowledge

Blueprint Genetics
Classification: Likely benign. Last evaluated: 2024-10-22. Review status: criteria provided, single submitter. Criteria: ACMG Guidelines, 2015. Collection method: clinical testing. Allele origin: germline.

Color Diagnostics, LLC DBA Color Health
Classification: Likely benign for Malignant hyperthermia, susceptibility to, 5. Last evaluated: 2022-09-20. Review status: criteria provided, single submitter. Criteria: ACMG Guidelines, 2015. Collection method: clinical testing. Allele origin: germline.

Literature cited by the submitters: PubMed 24195946 (cited by Women's Health and Genetics/Laboratory Corporation of America, LabCorp).